The following is an entry in ClinVar:

ClinVar aggregate classification (germline): Pathogenic. Review status: criteria provided, multiple submitters, no conflicts (2 of 4 stars). 2 submissions from 2 submitters: Pathogenic (2). Last evaluated 2023-08-09.

Conditions:
Zellweger spectrum disorders (ZS). Also called: Zellweger Spectrum Disorder; Zellweger Spectrum; Zellweger syndrome; Zellweger Spectrum Disorder (ZSD). Identifiers: Orphanet 912, MedGen C0043459, MONDO:0019609.
Peroxisome biogenesis disorder. Identifiers: Orphanet 79189, MedGen C1832200, MONDO:0019234. Disease mechanism: loss of function.

Submissions (2):

Myriad Genetics, Inc.
Classification: Pathogenic for Peroxisome biogenesis disorder. Last evaluated: 2023-08-09. Review status: criteria provided, single submitter. Criteria: Myriad Autosomal Dominant, Autosomal Recessive and X-Linked Classification Criteria (2023). Collection method: clinical testing. Allele origin: unknown.
Comment: NM_000466.2(PEX1):c.1855A>T(K619*) is expected to be pathogenic in the context of peroxisome biogenesis disorder type 1. This variant is predicted to lead to an abnormal or absent protein product due to the creation of a premature termination codon in PEX1, a gene where loss-of-function variants are known to be pathogenic. Please note: this variant was assessed in the context of healthy population screening.

Labcorp Genetics (formerly Invitae), Labcorp
Classification: Pathogenic for Zellweger spectrum disorders. Last evaluated: 2023-04-09. Review status: criteria provided, single submitter. Criteria: Invitae Variant Classification Sherloc (09022015). Collection method: clinical testing. Allele origin: germline.
Comment: For these reasons, this variant has been classified as Pathogenic. Algorithms developed to predict the effect of sequence changes on RNA splicing suggest that this variant may disrupt the consensus splice site. This variant has not been reported in the literature in individuals affected with PEX1-related conditions. This variant is not present in population databases (gnomAD no frequency). This sequence change creates a premature translational stop signal (p.Lys619*) in the PEX1 gene. It is expected to result in an absent or disrupted protein product. Loss-of-function variants in PEX1 are known to be pathogenic (PMID: 9398847, 16086329, 16141001, 21031596, 26387595, 31831025).

Literature cited by the submitters: PubMed 9398847 (cited by Labcorp Genetics (formerly Invitae), Labcorp); PubMed 16086329 (cited by Labcorp Genetics (formerly Invitae), Labcorp); PubMed 16141001 (cited by Labcorp Genetics (formerly Invitae), Labcorp); PubMed 21031596 (cited by Labcorp Genetics (formerly Invitae), Labcorp); PubMed 26387595 (cited by Labcorp Genetics (formerly Invitae), Labcorp); PubMed 31831025 (cited by Labcorp Genetics (formerly Invitae), Labcorp).

NM_000466.3(PEX1):c.1855A>T (p.Lys619Ter)

Gene: PEX1 (peroxisomal biogenesis factor 1; minus strand). Cytogenetic location: 7q21.2.
Variant type: single nucleotide variant.
Coding change: c.1855A>T on transcript NM_000466.3 (MANE Select); coding-DNA position 1855, A replaced by T.
Protein change: p.Lys619Ter; replaces lysine 619 with a stop codon.
Molecular consequence: nonsense.
Genome position (GRCh38, 1-based): chr7:92,506,293, T>A on the plus strand (A>T on the coding strand, the complement: PEX1 is on the minus strand). VCF-style: chr7-92506293-T-A. GRCh37 (hg19) VCF-style: chr7-92135607-T-A.
Other names: c.1855A>T, p.Lys619Ter (NM_001282677.2); c.1231A>T, p.Lys411Ter (NM_001282678.2); short protein forms K411*, K619*.
Identifiers: ClinVar variation 2853840 (VCV002853840.4), dbSNP rs2484673537, ClinGen allele CA368184912.